The following is an entry in ClinVar:

NM_000489.6(ATRX):c.328G>C (p.Glu110Gln)

Gene: ATRX (ATRX chromatin remodeler; minus strand). Cytogenetic location: Xq21.1.
Variant type: single nucleotide variant.
Coding change: c.328G>C on transcript NM_000489.6 (MANE Select); coding-DNA position 328, G replaced by C.
Protein change: p.Glu110Gln; replaces glutamic acid 110 with glutamine.
Molecular consequence: missense variant.
Genome position (GRCh38, 1-based): chrX:77,696,619, C>G on the plus strand (G>C on the coding strand, the complement: ATRX is on the minus strand). VCF-style: chrX-77696619-C-G. GRCh37 (hg19) VCF-style: chrX-76952107-C-G.
Other names: c.328G>C, p.Glu110Gln (NM_138270.5); short protein forms E110Q.
Identifiers: ClinVar variation 5037496 (VCV005037496.1).

ClinVar aggregate classification (germline): Uncertain significance (1 of 4 stars; one submission).

Submission:

GeneDx
Classification: Uncertain significance. Last evaluated: 2026-04-24. Review status: criteria provided, single submitter. Criteria: GeneDx Variant Classification Process June 2021. Collection method: clinical testing. Allele origin: germline.
Comment: Not observed at significant frequency in large population cohorts (gnomAD); In silico analysis suggests that this missense variant does not alter protein structure/function; Has not been previously published as pathogenic or benign to our knowledge